The following is an entry in ClinVar:

ClinVar aggregate classification (germline): Uncertain significance (1 of 4 stars; one submission).

Conditions:
Inborn genetic diseases. Identifiers: MedGen C0950123, MeSH D030342.

Submission:

Ambry Genetics
Classification: Uncertain significance for Inborn genetic diseases. Last evaluated: 2023-12-13. Review status: criteria provided, single submitter. Criteria: Ambry Variant Classification Scheme 2023. Collection method: clinical testing. Allele origin: germline.
Comment: The c.1143dupC (p.K382Qfs*6) alteration, located in exon 11 (coding exon 11) of the EIF4A2 gene, consists of a duplication of C at position 1143, causing a translational frameshift with a predicted alternate stop codon after 6 amino acids. This alteration occurs at the 3' terminus of the EIF4A2 gene, is not expected to trigger nonsense-mediated mRNA decay, and only impacts the last 6% of the protein. The exact functional effect of this alteration is unknown. Loss-of-function of EIF4A2 has not been established as a mechanism of disease. This variant was not reported in population-based cohorts in the Genome Aggregation Database (gnomAD). Based on insufficient or conflicting evidence, the clinical significance of this alteration remains unclear.

NM_001967.4(EIF4A2):c.1143dup (p.Lys382fs)

Gene: EIF4A2 (eukaryotic translation initiation factor 4A2; plus strand). Cytogenetic location: 3q27.3.
Variant type: Duplication.
Coding change: c.1143dup on transcript NM_001967.4 (MANE Select); coding-DNA position 1143, one base duplicated (C; older notation c.1143dupC).
Protein change: p.Lys382fs; shifts the reading frame from lysine 382.
Molecular consequence: frameshift variant.
Genome position (GRCh38, 1-based): chr3:186,789,188, C duplicated. VCF-style (leftmost placement, unchanged base first): chr3-186789187-A-AC. GRCh37 (hg19) VCF-style: chr3-186506976-A-AC.
Other names: short protein forms K382fs.
Identifiers: ClinVar variation 3087980 (VCV003087980.1), dbSNP rs2473983711, ClinGen allele CA2825001260.